The following is an entry in ClinVar:

ClinVar aggregate classification (germline): Pathogenic. Review status: criteria provided, multiple submitters, no conflicts (2 of 4 stars). 2 submissions from 2 submitters: Pathogenic (2). Last evaluated 2024-09-04.

Conditions:
Muscular dystrophy-dystroglycanopathy (congenital with brain and eye anomalies), type A14. Also called: Congenital Muscular Dystrophy-Dystroglycanopathy with Brain and Eye Anomalies Type A 14; Congenital muscular dystrophy-dystroglycanopathy with brain and eye anomalies, type A14; Muscular dystrophy-dystroglycanopathy (congenital with brain and eye anomalies), type a, 14; WALKER-WARBURG SYNDROME OR MUSCLE-EYE-BRAIN DISEASE, GMPPB-RELATED. Identifiers: Orphanet 588, MedGen C3809216, MONDO:0014140, OMIM 615350.
Muscular dystrophy-dystroglycanopathy (congenital with impaired intellectual development), type B, 14. Also called: Congenital muscular dystrophy-dystroglycanopathy with mental retardation, type B14; MUSCULAR DYSTROPHY, CONGENITAL, GMPPB-RELATED; Muscular dystrophy-dystroglycanopathy (congenital with intellectual disability), type B14. Identifiers: MedGen C3809221, MONDO:0014141, OMIM 615351.
Autosomal recessive limb-girdle muscular dystrophy type 2T. Also called: Limb-girdle muscular dystrophy-dystroglycanopathy, type C14; MUSCULAR DYSTROPHY-DYSTROGLYCANOPATHY, LIMB-GIRDLE, GMPPB-RELATED; MUSCULAR DYSTROPHY, LIMB-GIRDLE, TYPE 2T; Muscular dystrophy-dystroglycanopathy (limb-girdle), type c, 14. Identifiers: Orphanet 363623, MedGen C4518000, MONDO:0014142, OMIM 615352.

Allele frequency attached by ClinVar (database versions not stated): gnomAD exomes below 0.00001.

Submissions (2):

Labcorp Genetics (formerly Invitae), Labcorp
Classification: Pathogenic for Autosomal recessive limb-girdle muscular dystrophy type 2T; Muscular dystrophy-dystroglycanopathy (congenital with brain and eye anomalies), type A14; Muscular dystrophy-dystroglycanopathy (congenital with impaired intellectual development), type B, 14. Last evaluated: 2024-09-04. Review status: criteria provided, single submitter. Criteria: Invitae Variant Classification Sherloc (09022015). Collection method: clinical testing. Allele origin: germline.
Comment: This sequence change creates a premature translational stop signal (p.Gln164*) in the GMPPB gene. It is expected to result in an absent or disrupted protein product. Loss-of-function variants in GMPPB are known to be pathogenic (PMID: 23768512, 26310427). This variant is not present in population databases (gnomAD no frequency). This variant has not been reported in the literature in individuals affected with GMPPB-related conditions. ClinVar contains an entry for this variant (Variation ID: 620253). For these reasons, this variant has been classified as Pathogenic.

GeneDx
Classification: Pathogenic. Last evaluated: 2018-07-06. Review status: criteria provided, single submitter. Criteria: GeneDx Variant Classification (06012015). Collection method: clinical testing. Allele origin: germline. Affected: yes.
Comment: The Q164X variant in the GMPPB gene has not been reported previously as a pathogenic variant nor as a benign variant, to our knowledge. This variant is predicted to cause loss of normal protein function either through protein truncation or nonsense-mediated mRNA decay. The Q164X variant is not observed in large population cohorts (Lek et al., 2016). We interpret Q164X as a pathogenic variant.

Literature cited by the submitters: PubMed 23768512 (cited by Labcorp Genetics (formerly Invitae), Labcorp); PubMed 26310427 (cited by Labcorp Genetics (formerly Invitae), Labcorp).

NM_021971.4(GMPPB):c.490C>T (p.Gln164Ter)

Gene: GMPPB (GDP-mannose pyrophosphorylase B; minus strand). Cytogenetic location: 3p21.31.
Variant type: single nucleotide variant.
Coding change: c.490C>T on transcript NM_021971.4 (MANE Select); coding-DNA position 490, C replaced by T.
Protein change: p.Gln164Ter; replaces glutamine 164 with a stop codon.
Molecular consequence: nonsense.
Genome position (GRCh38, 1-based): chr3:49,722,667, G>A on the plus strand (C>T on the coding strand, the complement: GMPPB is on the minus strand). VCF-style: chr3-49722667-G-A. GRCh37 (hg19) VCF-style: chr3-49760100-G-A.
Other names: c.490C>T, p.Gln164Ter (NM_013334.4); short protein forms Q164*.
Identifiers: ClinVar variation 620253 (VCV000620253.3), dbSNP rs1559697183, ClinGen allele CA352828694.
Genomic context (GRCh38, chr3:49,722,667, plus strand): 5'-GCAGCACTGCAGGGCTCAGGATGTACATGCCTGCGTTGATCTTATTGGACACAAACACCT[G>A]TGGCTTCTCCACGAACCGGTGAATGCGGCCTGTGTCAGCCTCACACACCACCACACCGTA-3'